The following is an entry in ClinVar:

ClinVar aggregate classification (germline): Uncertain significance. Review status: criteria provided, multiple submitters, no conflicts (2 of 4 stars). 2 submissions from 2 submitters: Uncertain significance (2). Last evaluated 2024-12-20.

Conditions:
Cardiovascular phenotype. Identifiers: MedGen CN230736.
Hereditary cancer-predisposing syndrome. Also called: Hereditary neoplastic syndrome; Neoplastic Syndromes, Hereditary; Tumor predisposition; Hereditary Cancer Syndrome. Identifiers: Orphanet 140162, MedGen C0027672, MeSH D009386, MONDO:0015356.
Neurofibromatosis, type 1 (NF1). Also called: Peripheral type neurofibromatosis; Neurofibromatosis, type I; VON RECKLINGHAUSEN DISEASE; NEUROFIBROMATOSIS, TYPE I, SOMATIC. Identifiers: Orphanet 636, MedGen C0027831, MONDO:0018975, OMIM 162200. Disease mechanism: loss of function.

Submissions (2):

Ambry Genetics
Classification: Uncertain significance for Cardiovascular phenotype; Hereditary cancer-predisposing syndrome. Last evaluated: 2024-12-20. Review status: criteria provided, single submitter. Criteria: Ambry Variant Classification Scheme 2023. Collection method: clinical testing. Allele origin: germline.
Comment: The p.S1843N variant (also known as c.5528G>A), located in coding exon 37 of the NF1 gene, results from a G to A substitution at nucleotide position 5528. The serine at codon 1843 is replaced by asparagine, an amino acid with highly similar properties. This amino acid position is conserved. In addition, this alteration is predicted to be tolerated by in silico analysis. Based on the available evidence, the clinical significance of this variant remains unclear.

Labcorp Genetics (formerly Invitae), Labcorp
Classification: Uncertain significance for Neurofibromatosis, type 1. Last evaluated: 2022-06-27. Review status: criteria provided, single submitter. Criteria: Invitae Variant Classification Sherloc (09022015). Collection method: clinical testing. Allele origin: germline.
Comment: In summary, the available evidence is currently insufficient to determine the role of this variant in disease. Therefore, it has been classified as a Variant of Uncertain Significance. Advanced modeling of protein sequence and biophysical properties (such as structural, functional, and spatial information, amino acid conservation, physicochemical variation, residue mobility, and thermodynamic stability) performed at Invitae indicates that this missense variant is expected to disrupt NF1 protein function. ClinVar contains an entry for this variant (Variation ID: 1025211). This variant has not been reported in the literature in individuals affected with NF1-related conditions. This variant is not present in population databases (gnomAD no frequency). This sequence change replaces serine, which is neutral and polar, with asparagine, which is neutral and polar, at codon 1843 of the NF1 protein (p.Ser1843Asn).

NM_001042492.3(NF1):c.5591G>A (p.Ser1864Asn)

Gene: NF1 (neurofibromin 1; plus strand). Cytogenetic location: 17q11.2.
Variant type: single nucleotide variant.
Coding change: c.5591G>A on transcript NM_001042492.3 (MANE Select); coding-DNA position 5591, G replaced by A.
Protein change: p.Ser1864Asn; replaces serine 1864 with asparagine.
Molecular consequence: missense variant.
Genome position (GRCh38, 1-based): chr17:31,327,821, G>A. VCF-style: chr17-31327821-G-A. GRCh37 (hg19) VCF-style: chr17-29654839-G-A.
Other names: c.5528G>A, p.Ser1843Asn (NM_000267.4); short protein forms S1843N, S1864N.
Identifiers: ClinVar variation 1025211 (VCV001025211.6), dbSNP rs1567612716, ClinGen allele CA399010036.